The following is an entry in ClinVar:

ClinVar aggregate classification (germline): Uncertain significance (1 of 4 stars; one submission).

Conditions:
Nemaline myopathy 2 (NEM2). Also called: Nemaline myopathy 2, autosomal recessive. Identifiers: MedGen C1850569, MONDO:0009725, OMIM 256030.

Allele frequency attached by ClinVar (database versions not stated): gnomAD exomes below 0.00001.
gnomAD v4.1: 2 of 1,596,774 alleles (0.00013%); highest among the groups gnomAD compares: Non-Finnish European, 0.000085%; no homozygotes.

Submission:

Labcorp Genetics (formerly Invitae), Labcorp
Classification: Uncertain significance for Nemaline myopathy 2. Last evaluated: 2022-05-27. Review status: criteria provided, single submitter. Criteria: Invitae Variant Classification Sherloc (09022015). Collection method: clinical testing. Allele origin: germline.
Comment: This sequence change replaces proline, which is neutral and non-polar, with leucine, which is neutral and non-polar, at codon 1523 of the NEB protein (p.Pro1523Leu). This variant is not present in population databases (gnomAD no frequency). This variant has not been reported in the literature in individuals affected with NEB-related conditions. Algorithms developed to predict the effect of missense changes on protein structure and function are either unavailable or do not agree on the potential impact of this missense change (SIFT: "Deleterious"; PolyPhen-2: "Not Available"; Align-GVGD: "Class C0"). In summary, the available evidence is currently insufficient to determine the role of this variant in disease. Therefore, it has been classified as a Variant of Uncertain Significance.

NM_001164508.2(NEB):c.4568C>T (p.Pro1523Leu)

Gene: NEB (nebulin; minus strand). Cytogenetic location: 2q23.3.
Variant type: single nucleotide variant.
Coding change: c.4568C>T on transcript NM_001164508.2 (MANE Select); coding-DNA position 4568, C replaced by T.
Protein change: p.Pro1523Leu; replaces proline 1523 with leucine.
Molecular consequence: missense variant.
Genome position (GRCh38, 1-based): chr2:151,669,070, G>A on the plus strand (C>T on the coding strand, the complement: NEB is on the minus strand). VCF-style: chr2-151669070-G-A. GRCh37 (hg19) VCF-style: chr2-152525584-G-A.
Other names: c.4568C>T, p.Pro1523Leu (NM_001271208.2, NM_004543.5, NM_001164507.2); short protein forms P1523L.
Identifiers: ClinVar variation 2166278 (VCV002166278.1), dbSNP rs1377237807, ClinGen allele CA348815025.